The following is an entry in ClinVar:

ClinVar aggregate classification (germline): Likely benign (1 of 4 stars; one submission).

Submission:

GeneDx
Classification: Likely benign. Last evaluated: 2020-12-18. Review status: criteria provided, single submitter. Criteria: GeneDx Variant Classification Process June 2021. Collection method: clinical testing. Allele origin: germline. Affected: yes.
Comment: Not observed in large population cohorts (Lek et al., 2016); In silico analysis supports that this missense variant does not alter protein structure/function; Has not been previously published as pathogenic or benign to our knowledge

NM_006565.4(CTCF):c.1700G>T (p.Arg567Leu)

Gene: CTCF (CCCTC-binding factor; plus strand). Cytogenetic location: 16q22.1.
Variant type: single nucleotide variant.
Coding change: c.1700G>T on transcript NM_006565.4 (MANE Select); coding-DNA position 1700, G replaced by T.
Protein change: p.Arg567Leu; replaces arginine 567 with leucine.
Molecular consequence: missense variant.
Genome position (GRCh38, 1-based): chr16:67,628,551, G>T. VCF-style: chr16-67628551-G-T. GRCh37 (hg19) VCF-style: chr16-67662454-G-T.
Other names: c.716G>T, p.Arg239Leu (NM_001191022.2); c.1700G>T, p.Arg567Leu (NM_001363916.2); short protein forms R567L, R239L.
Identifiers: ClinVar variation 450577 (VCV000450577.3), dbSNP rs761621858, ClinGen allele CA396321079.